The following is an entry in ClinVar:

ClinVar aggregate classification (germline): Uncertain significance (1 of 4 stars; one submission).

Submission:

GeneDx
Classification: Uncertain significance. Last evaluated: 2025-03-14. Review status: criteria provided, single submitter. Criteria: GeneDx Variant Classification Process June 2021. Collection method: clinical testing. Allele origin: germline. Affected: yes.
Comment: Not observed at significant frequency in large population cohorts (gnomAD); In silico analysis supports that this missense variant has a deleterious effect on protein structure/function; This variant is associated with the following publications: (PMID: 29696775)

NM_001377142.1(PLCB4):c.1345C>T (p.Pro449Ser)

Gene: PLCB4 (phospholipase C beta 4; plus strand). Cytogenetic location: 20p12.2.
Variant type: single nucleotide variant.
Coding change: c.1345C>T on transcript NM_001377142.1 (MANE Select); coding-DNA position 1345, C replaced by T.
Protein change: p.Pro449Ser; replaces proline 449 with serine.
Molecular consequence: missense variant.
Genome position (GRCh38, 1-based): chr20:9,393,609, C>T. VCF-style: chr20-9393609-C-T. GRCh37 (hg19) VCF-style: chr20-9374256-C-T.
Other names: c.1345C>T, p.Pro449Ser (NM_000933.4, NM_001172646.2, NM_001377134.2 and 4 more transcripts); short protein forms P449S.
Identifiers: ClinVar variation 4083324 (VCV004083324.1).
Genomic context (GRCh38, chr20:9,393,609, plus strand): 5'-CAGCCCTTCCTTAATTCAGCTCTTTCTGTTTCTCTCTAGCTTGAACCAGGCAGGGCTTTG[C>T]CATCCCCCAATGACCTCAAAAGAAAAATACTCATAAAAAACAAGCGGCTGAAACCTGAAG-3'
Protein context (NP_001364071.1, residues 439-459): SHPLEPGRAL[Pro449Ser]SPNDLKRKIL